The following is an entry in ClinVar:

ClinVar aggregate classification (germline): Uncertain significance (1 of 4 stars; one submission).

Conditions:
Mosaic variegated aneuploidy syndrome 3 (MVA3). Identifiers: MedGen C4539839, MONDO:0054736, OMIM 617598.
Oocyte maturation defect 9. Also called: OOCYTE/ZYGOTE/EMBRYO MATURATION ARREST 9. Identifiers: MedGen C5436599, MONDO:0033565, OMIM 619011.

gnomAD v4.1: 6 of 1,613,648 alleles (0.00037%); highest among the groups gnomAD compares: Non-Finnish European, 0.00051%; no homozygotes.

Submission:

Juno Genomics, Hangzhou Juno Genomics, Inc
Classification: Uncertain significance for Oocyte maturation defect 9; Mosaic variegated aneuploidy syndrome 3. Review status: criteria provided, single submitter. Criteria: ACMG Guidelines, 2015. Collection method: clinical testing. Allele origin: germline. Affected: yes.
Comment: Absent from controls (or at extremely low frequency if recessive) in Genome Aggregation Database, Exome Sequencing Project, 1000 Genomes Project, or Exome Aggregation Consortium.;Multiple lines of computational evidence support a deleterious effect on the gene or gene product (conservation, evolutionary, splicing impact, etc).

NM_004237.4(TRIP13):c.1070A>G (p.Glu357Gly)

Gene: TRIP13 (thyroid hormone receptor interactor 13; plus strand). Cytogenetic location: 5p15.33.
Variant type: single nucleotide variant.
Coding change: c.1070A>G on transcript NM_004237.4 (MANE Select); coding-DNA position 1070, A replaced by G.
Protein change: p.Glu357Gly; replaces glutamic acid 357 with glycine.
Molecular consequence: missense variant.
Genome position (GRCh38, 1-based): chr5:914,514, A>G. VCF-style: chr5-914514-A-G. GRCh37 (hg19) VCF-style: chr5-914629-A-G.
Other names: short protein forms E357G.
Identifiers: ClinVar variation 4796589 (VCV004796589.1).